The following is an entry in ClinVar:

NM_207037.2(TCF12):c.1540T>G (p.Ser514Ala)

Gene: TCF12 (transcription factor 12; plus strand). Cytogenetic location: 15q21.3.
Variant type: single nucleotide variant.
Coding change: c.1540T>G on transcript NM_207037.2 (MANE Select); coding-DNA position 1540, T replaced by G.
Protein change: p.Ser514Ala; replaces serine 514 with alanine.
Molecular consequence: missense variant.
Genome position (GRCh38, 1-based): chr15:57,262,166, T>G. VCF-style: chr15-57262166-T-G. GRCh37 (hg19) VCF-style: chr15-57554364-T-G.
Other names: c.1030T>G, p.Ser344Ala (NM_001306219.3); c.760T>G, p.Ser254Ala (NM_001306220.3); c.1540T>G, p.Ser514Ala (NM_001322151.2, NM_001322152.2, NM_001322159.3 and 2 more transcripts); c.883T>G, p.Ser295Ala (NM_001322154.2); c.1366T>G, p.Ser456Ala (NM_001322156.2); c.1468T>G, p.Ser490Ala (NM_001322157.3, NM_001322165.2, NM_003205.4 and 1 more transcripts); c.1294T>G, p.Ser432Ala (NM_001322158.2); c.1537T>G, p.Ser513Ala (NM_001322161.2); and 2 more; short protein forms S514A, S254A, S320A, S344A, S490A, S502A, S295A, S456A.
Identifiers: ClinVar variation 450890 (VCV000450890.2), dbSNP rs1555412592, ClinGen allele CA392589153.
Genomic context (GRCh38, chr15:57,262,166, plus strand): 5'-CGGGAAGACTCTGTCAGTCTCAATGGCAATCATTCAGTCCTGTCTAGTACAGTCACTACT[T>G]CAAGCACAGACCTGAACCATAAAACACAAGAAAATTATAGAGGTAACTATATTGTTGGTT-3'
Protein context (NP_996920.1, residues 504-524): HSVLSSTVTT[Ser514Ala]STDLNHKTQE

ClinVar aggregate classification (germline): Uncertain significance (1 of 4 stars; one submission).

Allele frequency attached by ClinVar (database versions not stated): TOPMed below 0.00001.

Submission:

GeneDx
Classification: Uncertain significance. Last evaluated: 2017-07-31. Review status: criteria provided, single submitter. Criteria: GeneDx Variant Classification (06012015). Collection method: clinical testing. Allele origin: germline. Affected: yes.
Comment: The S514A variant in the TCF12 gene has not been reported previously as a pathogenic variant, nor as a benign variant, to our knowledge. The S514A variant is not observed in large population cohorts (Lek et al., 2016; 1000 Genomes Consortium et al., 2015; Exome Variant Server). The S514A variant is a non-conservative amino acid substitution, which is likely to impact secondary protein structure as these residues differ in polarity, charge, size and/or other properties. This substitution occurs at a position where amino acids with similar properties to Serine are tolerated across species. In silico analysis is inconsistent in its predictions as to whether or not the variant is damaging to the protein structure/function. We interpret S514A as a variant of uncertain significance